The following is an entry in ClinVar:

ClinVar aggregate classification (germline): Uncertain significance. Review status: criteria provided, multiple submitters, no conflicts (2 of 4 stars). 2 submissions from 2 submitters: Uncertain significance (2). Last evaluated 2025-10-15.

Allele frequency attached by ClinVar (database versions not stated): 1000 Genomes Project 0.00020; ExAC 0.00020; gnomAD exomes 0.00020 and 0.00016; ESP Exome Variant Server 0.00023; TOPMed 0.00023; gnomAD 0.00015 and 0.00016; 1000 Genomes Project 30x 0.00016.
gnomAD v4.1: 263 of 1,614,116 alleles (0.016%); highest among the groups gnomAD compares: Middle Eastern, 0.12%; no homozygotes.

Submissions (2):

Labcorp Genetics (formerly Invitae), Labcorp
Classification: Uncertain significance. Last evaluated: 2025-10-15. Review status: criteria provided, single submitter. Criteria: Invitae Variant Classification Sherloc (09022015). Collection method: clinical testing. Allele origin: germline.
Comment: This sequence change replaces arginine, which is basic and polar, with glutamine, which is neutral and polar, at codon 441 of the MICAL1 protein (p.Arg441Gln). This variant is present in population databases (rs145783720, gnomAD 0.05%), and has an allele count higher than expected for a pathogenic variant. This variant has not been reported in the literature in individuals affected with MICAL1-related conditions. ClinVar contains an entry for this variant (Variation ID: 1432978). An algorithm developed to predict the effect of missense changes on protein structure and function outputs the following: PolyPhen-2: "Benign". The glutamine amino acid residue is found in multiple mammalian species, which suggests that this missense change does not adversely affect protein function. In summary, the available evidence is currently insufficient to determine the role of this variant in disease. Therefore, it has been classified as a Variant of Uncertain Significance.

Ambry Genetics
Classification: Uncertain significance. Last evaluated: 2021-07-06. Review status: criteria provided, single submitter. Criteria: Ambry Variant Classification Scheme 2023. Collection method: clinical testing. Allele origin: germline.

NM_022765.4(MICAL1):c.1265G>A (p.Arg422Gln)

Gene: MICAL1 (microtubule associated monooxygenase, calponin and LIM domain containing 1; minus strand). Cytogenetic location: 6q21.
Variant type: single nucleotide variant.
Coding change: c.1265G>A on transcript NM_022765.4 (MANE Select); coding-DNA position 1265, G replaced by A.
Protein change: p.Arg422Gln; replaces arginine 422 with glutamine.
Molecular consequence: missense variant.
Genome position (GRCh38, 1-based): chr6:109,450,012, C>T on the plus strand (G>A on the coding strand, the complement: MICAL1 is on the minus strand). VCF-style: chr6-109450012-C-T. GRCh37 (hg19) VCF-style: chr6-109771215-C-T.
Other names: c.1265G>A (NM_022765.3); c.1007G>A, p.Arg336Gln (NM_001159291.2); c.1322G>A, p.Arg441Gln (NM_001286613.2); short protein forms R336Q, R422Q, R441Q.
Identifiers: ClinVar variation 1432978 (VCV001432978.7), dbSNP rs145783720, ClinGen allele CA3953457.